The following is an entry in ClinVar:

ClinVar aggregate classification (germline): Likely benign (0 of 4 stars; one submission).

Conditions:
DISP3-related disorder. Also called: DISP3-related condition.

Allele frequency attached by ClinVar (database versions not stated): gnomAD exomes 0.00015; gnomAD 0.00034; TOPMed 0.00036; ExAC 0.00051; 1000 Genomes Project 0.00180; 1000 Genomes Project 30x 0.00203.
gnomAD v4.1: 349 of 1,606,342 alleles (0.022%); highest among the groups gnomAD compares: East Asian, 0.33%; no homozygotes.

Submission:

PreventionGenetics, part of Exact Sciences
Classification: Likely benign for DISP3-related condition. Last evaluated: 2020-01-08. Review status: no assertion criteria provided. Collection method: clinical testing. Allele origin: germline.
Comment: This variant is classified as likely benign based on ACMG/AMP sequence variant interpretation guidelines (Richards et al. 2015 PMID: 25741868, with internal and published modifications).

NM_020780.2(DISP3):c.497G>A (p.Arg166Gln)

Gene: DISP3 (dispatched RND transporter family member 3; plus strand). Cytogenetic location: 1p36.22.
Variant type: single nucleotide variant.
Coding change: c.497G>A on transcript NM_020780.2 (MANE Select); coding-DNA position 497, G replaced by A.
Protein change: p.Arg166Gln; replaces arginine 166 with glutamine.
Molecular consequence: missense variant.
Genome position (GRCh38, 1-based): chr1:11,501,489, G>A. VCF-style: chr1-11501489-G-A. GRCh37 (hg19) VCF-style: chr1-11561546-G-A.
Other names: short protein forms R166Q.
Identifiers: ClinVar variation 3037937 (VCV003037937.2), dbSNP rs375851130, ClinGen allele CA591396.